The following is an entry in ClinVar:

ClinVar aggregate classification (germline): Likely benign (0 of 4 stars; one submission).

Conditions:
NPC1L1-related disorder. Also called: NPC1L1-related condition.

Allele frequency attached by ClinVar (database versions not stated): 1000 Genomes Project 30x 0.00031; 1000 Genomes Project 0.00040; ExAC 0.00075; ESP Exome Variant Server 0.00087; TOPMed 0.00106; gnomAD 0.00110; gnomAD exomes 0.00183.
gnomAD v4.1: 2,701 of 1,549,882 alleles (0.17%); highest among the groups gnomAD compares: Non-Finnish European, 0.22%; 4 homozygotes.

Submission:

PreventionGenetics, part of Exact Sciences
Classification: Likely benign for NPC1L1-related condition. Last evaluated: 2019-11-05. Review status: no assertion criteria provided. Collection method: clinical testing. Allele origin: germline.
Comment: This variant is classified as likely benign based on ACMG/AMP sequence variant interpretation guidelines (Richards et al. 2015 PMID: 25741868, with internal and published modifications).

NM_001101648.2(NPC1L1):c.6G>A (p.Ala2=)

Gene: NPC1L1 (NPC1 like intracellular cholesterol transporter 1; minus strand). Cytogenetic location: 7p13.
Variant type: single nucleotide variant.
Coding change: c.6G>A on transcript NM_001101648.2 (MANE Select); coding-DNA position 6, G replaced by A.
Protein change: p.Ala2=; no amino-acid change (alanine 2 retained).
Molecular consequence: synonymous variant.
Genome position (GRCh38, 1-based): chr7:44,541,254, C>T on the plus strand (G>A on the coding strand, the complement: NPC1L1 is on the minus strand). VCF-style: chr7-44541254-C-T. GRCh37 (hg19) VCF-style: chr7-44580853-C-T.
Other names: c.6G>A, p.Ala2= (NM_001300967.2, NM_013389.3).
Identifiers: ClinVar variation 3041380 (VCV003041380.2), dbSNP rs375614485, ClinGen allele CA4242571.